The following is an entry in ClinVar:

ClinVar aggregate classification (germline): Uncertain significance. Review status: criteria provided, multiple submitters, no conflicts (2 of 4 stars). 2 submissions from 2 submitters: Uncertain significance (2). Last evaluated 2024-08-04.

Conditions:
Marfan syndrome (MFS). Also called: MARFAN SYNDROME, TYPE I; Marfan syndrome type 1; Marfan's syndrome; Marfan syndrome, classic; FBN1-Related Marfan Syndrome. Identifiers: Orphanet 284963, Orphanet 558, MedGen C0024796, MONDO:0007947, OMIM 154700.
Familial thoracic aortic aneurysm and aortic dissection (TAAD). Also called: Thoracic aortic aneurysms and dissections. Identifiers: Orphanet 91387, MedGen C4707243, MONDO:0019625.

Submissions (2):

Labcorp Genetics (formerly Invitae), Labcorp
Classification: Uncertain significance for Marfan syndrome; Familial thoracic aortic aneurysm and aortic dissection. Last evaluated: 2024-08-04. Review status: criteria provided, single submitter. Criteria: Invitae Variant Classification Sherloc (09022015). Collection method: clinical testing. Allele origin: germline.
Comment: This sequence change replaces glycine, which is neutral and non-polar, with alanine, which is neutral and non-polar, at codon 1466 of the FBN1 protein (p.Gly1466Ala). This variant is not present in population databases (gnomAD no frequency). This variant has not been reported in the literature in individuals affected with FBN1-related conditions. Advanced modeling of protein sequence and biophysical properties (such as structural, functional, and spatial information, amino acid conservation, physicochemical variation, residue mobility, and thermodynamic stability) performed at Invitae indicates that this missense variant is expected to disrupt FBN1 protein function with a positive predictive value of 95%. In summary, the available evidence is currently insufficient to determine the role of this variant in disease. Therefore, it has been classified as a Variant of Uncertain Significance.

Blueprint Genetics
Classification: Uncertain significance. Last evaluated: 2023-04-05. Review status: criteria provided, single submitter. Criteria: ACMG Guidelines, 2015. Collection method: clinical testing. Allele origin: germline.

NM_000138.5(FBN1):c.4397G>C (p.Gly1466Ala)

Gene: FBN1 (fibrillin 1; minus strand). Cytogenetic location: 15q21.1.
Variant type: single nucleotide variant.
Coding change: c.4397G>C on transcript NM_000138.5 (MANE Select); coding-DNA position 4397, G replaced by C.
Protein change: p.Gly1466Ala; replaces glycine 1466 with alanine.
Molecular consequence: missense variant.
Genome position (GRCh38, 1-based): chr15:48,470,696, C>G on the plus strand (G>C on the coding strand, the complement: FBN1 is on the minus strand). VCF-style: chr15-48470696-C-G. GRCh37 (hg19) VCF-style: chr15-48762893-C-G.
Other names: c.4397G>C, p.Gly1466Ala (NM_001406716.1); short protein forms G1466A.
Identifiers: ClinVar variation 3761828 (VCV003761828.3).